The following is an entry in ClinVar:

ClinVar aggregate classification (germline): Uncertain significance. Review status: criteria provided, multiple submitters, no conflicts (2 of 4 stars). 2 submissions from 2 submitters: Uncertain significance (2). Last evaluated 2024-04-25.

Conditions:
Catecholaminergic polymorphic ventricular tachycardia (CVPT). Also called: Catecholamine-induced polymorphic ventricular tachycardia. Identifiers: Orphanet 3286, MedGen C5574922, MONDO:0017990.
Catecholaminergic polymorphic ventricular tachycardia 1. Also called: VENTRICULAR TACHYCARDIA, CATECHOLAMINERGIC POLYMORPHIC, 1, WITH OR WITHOUT ATRIAL DYSFUNCTION AND/OR DILATED CARDIOMYOPATHY; VENTRICULAR TACHYCARDIA, STRESS-INDUCED POLYMORPHIC 1; RYR2-Related Catecholaminergic Polymorphic Ventricular Tachycardia. Identifiers: Orphanet 3286, MedGen C1631597, MONDO:0011484, OMIM 604772.

Submissions (2):

All of Us Research Program, National Institutes of Health
Classification: Uncertain significance for Catecholaminergic polymorphic ventricular tachycardia. Last evaluated: 2024-04-25. Review status: criteria provided, single submitter. Criteria: ACMG Guidelines, 2015. Collection method: clinical testing. Allele origin: germline. Inheritance: Autosomal dominant inheritance. Observed: 1 variant allele, 1 heterozygote.
Comment: This missense variant replaces phenylalanine with valine at codon 1201 of the RYR2 protein. Computational prediction suggests that this variant may have deleterious impact on protein structure and function (internally defined REVEL score threshold >= 0.7, PMID: 27666373). To our knowledge, functional studies have not been reported for this variant. This variant has not been reported in individuals affected with RYR2-related disorders in the literature. This variant has not been identified in the general population by the Genome Aggregation Database (gnomAD). The available evidence is insufficient to determine the role of this variant in disease conclusively. Therefore, this variant is classified as a Variant of Uncertain Significance.

This study involves interpretation of variants in research participants for the purpose of population health screening. Participant phenotype was not available at the time of variant classification. Additional details can be found in publication PMID: 35346344, PMCID: PMC8962531

Labcorp Genetics (formerly Invitae), Labcorp
Classification: Uncertain significance for Catecholaminergic polymorphic ventricular tachycardia 1. Last evaluated: 2022-04-09. Review status: criteria provided, single submitter. Criteria: Invitae Variant Classification Sherloc (09022015). Collection method: clinical testing. Allele origin: germline.
Comment: This variant is not present in population databases (gnomAD no frequency). This variant has not been reported in the literature in individuals affected with RYR2-related conditions. Algorithms developed to predict the effect of missense changes on protein structure and function (SIFT, PolyPhen-2, Align-GVGD) all suggest that this variant is likely to be disruptive. In summary, the available evidence is currently insufficient to determine the role of this variant in disease. Therefore, it has been classified as a Variant of Uncertain Significance. This sequence change replaces phenylalanine, which is neutral and non-polar, with valine, which is neutral and non-polar, at codon 1201 of the RYR2 protein (p.Phe1201Val).

NM_001035.3(RYR2):c.3601T>G (p.Phe1201Val)

Gene: RYR2 (ryanodine receptor 2; plus strand). Cytogenetic location: 1q43.
Variant type: single nucleotide variant.
Coding change: c.3601T>G on transcript NM_001035.3 (MANE Select); coding-DNA position 3601, T replaced by G.
Protein change: p.Phe1201Val; replaces phenylalanine 1201 with valine.
Molecular consequence: missense variant.
Genome position (GRCh38, 1-based): chr1:237,589,795, T>G. VCF-style: chr1-237589795-T-G. GRCh37 (hg19) VCF-style: chr1-237753095-T-G.
Other names: short protein forms F1201V.
Identifiers: ClinVar variation 2123804 (VCV002123804.5), dbSNP rs2546605881, ClinGen allele CA345396131.